The following is an entry in ClinVar:

NM_000138.5(FBN1):c.2348_2359del (p.Asn783_Gly786del)

Gene: FBN1 (fibrillin 1; minus strand). Cytogenetic location: 15q21.1.
Variant type: Deletion.
Coding change: c.2348_2359del on transcript NM_000138.5 (MANE Select); coding-DNA positions 2348 to 2359, 12 bases deleted (ATACTCCTGGAA).
Protein change: p.Asn783_Gly786del.
Molecular consequence: inframe deletion.
Genome position (GRCh38, 1-based): chr15:48,496,160-48,496,171, TTCCAGGAGTAT deleted on the plus strand (ATACTCCTGGAA on the coding strand, the reverse complement: FBN1 is on the minus strand); deleting any 12 consecutive bases within chr15:48,496,160-48,496,174 gives the same sequence; the c. name uses the placement nearest the transcript's 3' end. VCF-style (leftmost placement, unchanged base first): chr15-48496159-CTTCCAGGAGTAT-C. GRCh37 (hg19) VCF-style: chr15-48788356-CTTCCAGGAGTAT-C.
Identifiers: ClinVar variation 853712 (VCV000853712.9), dbSNP rs2043606899, ClinGen allele CA916082404.

ClinVar aggregate classification (germline): Uncertain significance (1 of 4 stars; one submission).

Conditions:
Familial thoracic aortic aneurysm and aortic dissection (TAAD). Also called: Thoracic aortic aneurysms and dissections. Identifiers: Orphanet 91387, MedGen C4707243, MONDO:0019625.
Marfan syndrome (MFS). Also called: FBN1-Related Marfan Syndrome; Marfan's syndrome; MARFAN SYNDROME, TYPE I; Marfan syndrome type 1; Marfan syndrome, classic. Identifiers: Orphanet 284963, Orphanet 558, MedGen C0024796, MONDO:0007947, OMIM 154700.

Submission:

Labcorp Genetics (formerly Invitae), Labcorp
Classification: Uncertain significance for Marfan syndrome; Familial thoracic aortic aneurysm and aortic dissection. Last evaluated: 2024-03-04. Review status: criteria provided, single submitter. Criteria: Invitae Variant Classification Sherloc (09022015). Collection method: clinical testing. Allele origin: germline.
Comment: This variant, c.2348_2359del, results in the deletion of 4 amino acid(s) of the FBN1 protein (p.Asn783_Gly786del), but otherwise preserves the integrity of the reading frame. This variant is not present in population databases (gnomAD no frequency). This variant has been observed in individuals with FBN1-related conditions (Invitae). ClinVar contains an entry for this variant (Variation ID: 853712). Experimental studies and prediction algorithms are not available or were not evaluated, and the functional significance of this variant is currently unknown. This variant disrupts a region of the FBN1 protein in which other variant(s) (p.Pro785del) have been observed in individuals with FBN1-related conditions (Invitae). This suggests that this is a clinically significant region of the protein, and that variants that disrupt it are likely to be disease-causing. In summary, the available evidence is currently insufficient to determine the role of this variant in disease. Therefore, it has been classified as a Variant of Uncertain Significance.